The following is an entry in ClinVar:

NM_004706.4(ARHGEF1):c.112-4C>G

Gene: ARHGEF1 (Rho guanine nucleotide exchange factor 1; plus strand). Cytogenetic location: 19q13.2.
Variant type: single nucleotide variant.
Coding change: c.112-4C>G on transcript NM_004706.4 (MANE Select); 4 bases into the intron before coding-DNA position 112, C replaced by G.
Molecular consequence: intron variant.
Genome position (GRCh38, 1-based): chr19:41,888,748, C>G. VCF-style: chr19-41888748-C-G. GRCh37 (hg19) VCF-style: chr19-42392819-C-G.
Other names: c.112-4C>G (NM_198977.2); c.157-4C>G (NM_199002.2, NM_199002.1).
Identifiers: ClinVar variation 1165413 (VCV001165413.13), dbSNP rs41303849, ClinGen allele CA9465798.

ClinVar aggregate classification (germline): Benign. Review status: criteria provided, multiple submitters, no conflicts (2 of 4 stars). 4 submissions from 4 submitters: Benign (3). 1 of the submissions does not count toward it. Last evaluated 2026-02-02.

Conditions:
ARHGEF1-related disorder. Also called: ARHGEF1-related condition.

Allele frequency attached by ClinVar (database versions not stated): 1000 Genomes Project 0.03474; ESP Exome Variant Server 0.04167; 1000 Genomes Project 30x 0.03888.
gnomAD v4.1: 12,351 of 1,614,022 alleles (0.77%); highest among the groups gnomAD compares: African/African-American, 12%; 580 homozygotes.

Submissions (4):

Labcorp Genetics (formerly Invitae), Labcorp
Classification: Benign. Last evaluated: 2026-02-02. Review status: criteria provided, single submitter. Criteria: Invitae Variant Classification Sherloc (09022015). Collection method: clinical testing. Allele origin: germline.

Women's Health and Genetics/Laboratory Corporation of America, LabCorp
Classification: Benign. Last evaluated: 2026-01-21. Review status: criteria provided, single submitter. Criteria: LabCorp Variant Classification Summary - May 2015. Collection method: clinical testing. Allele origin: germline.

Breakthrough Genomics
Classification: Benign. Review status: criteria provided, single submitter. Criteria: ACMG Guidelines, 2015. Collection method: not provided. Allele origin: germline. Inheritance: Autosomal recessive inheritance. Affected: yes.

PreventionGenetics, part of Exact Sciences
Classification: Benign for ARHGEF1-related condition. Last evaluated: 2019-11-07. Review status: no assertion criteria provided. Collection method: clinical testing. Allele origin: germline. Not counted in ClinVar's aggregate classification.
Comment: This variant is classified as benign based on ACMG/AMP sequence variant interpretation guidelines (Richards et al. 2015 PMID: 25741868, with internal and published modifications).